The following is an entry in ClinVar:

NM_003334.4(UBA1):c.1042C>T (p.Arg348Trp)

Gene: UBA1 (ubiquitin like modifier activating enzyme 1; plus strand). Cytogenetic location: Xp11.3.
Variant type: single nucleotide variant.
Coding change: c.1042C>T on transcript NM_003334.4 (MANE Select); coding-DNA position 1042, C replaced by T.
Protein change: p.Arg348Trp; replaces arginine 348 with tryptophan.
Molecular consequence: missense variant.
Genome position (GRCh38, 1-based): chrX:47,202,490, C>T. VCF-style: chrX-47202490-C-T. GRCh37 (hg19) VCF-style: chrX-47061889-C-T.
Other names: c.1042C>T, p.Arg348Trp (NM_153280.3); short protein forms R348W.
Identifiers: ClinVar variation 2973295 (VCV002973295.3), dbSNP rs782239995, ClinGen allele CA10395818.

ClinVar aggregate classification (germline): Uncertain significance (1 of 4 stars; one submission).

Conditions:
Infantile-onset X-linked spinal muscular atrophy. Also called: AMC, DISTAL, X-LINKED; ARTHROGRYPOSIS, X-LINKED, TYPE I; Spinal muscular atrophy, X-linked 2; Spinal Muscular Atrophy, X-Linked Infantile; SPINAL MUSCULAR ATROPHY, X-LINKED LETHAL INFANTILE. Identifiers: Orphanet 1145, MedGen C1844934, MONDO:0010532, OMIM 301830.

Allele frequency attached by ClinVar (database versions not stated): gnomAD 0.00001; gnomAD exomes 0.00001; TOPMed 0.00001; ExAC 0.00004.
gnomAD v4.1: 9 of 1,199,761 alleles (0.00075%); highest among the groups gnomAD compares: South Asian, 0.0036%; no homozygotes.

Submission:

Labcorp Genetics (formerly Invitae), Labcorp
Classification: Uncertain significance for Infantile-onset X-linked spinal muscular atrophy. Last evaluated: 2023-11-27. Review status: criteria provided, single submitter. Criteria: Invitae Variant Classification Sherloc (09022015). Collection method: clinical testing. Allele origin: germline.
Comment: This sequence change replaces arginine, which is basic and polar, with tryptophan, which is neutral and slightly polar, at codon 348 of the UBA1 protein (p.Arg348Trp). The frequency data for this variant in the population databases is considered unreliable, as metrics indicate poor data quality at this position in the gnomAD database. This variant has not been reported in the literature in individuals affected with UBA1-related conditions. An algorithm developed to predict the effect of missense changes on protein structure and function (PolyPhen-2) suggests that this variant is likely to be disruptive. In summary, the available evidence is currently insufficient to determine the role of this variant in disease. Therefore, it has been classified as a Variant of Uncertain Significance.